The following is an entry in ClinVar:

NM_006361.6(HOXB13):c.666G>A (p.Pro222=)

Gene: HOXB13 (homeobox B13; minus strand). Cytogenetic location: 17q21.32.
Variant type: single nucleotide variant.
Coding change: c.666G>A on transcript NM_006361.6 (MANE Select); coding-DNA position 666, G replaced by A.
Protein change: p.Pro222=; no amino-acid change (proline 222 retained).
Molecular consequence: synonymous variant.
Genome position (GRCh38, 1-based): chr17:48,726,979, C>T on the plus strand (G>A on the coding strand, the complement: HOXB13 is on the minus strand). VCF-style: chr17-48726979-C-T. GRCh37 (hg19) VCF-style: chr17-46804341-C-T.
Identifiers: ClinVar variation 483518 (VCV000483518.17), dbSNP rs1230526859, ClinGen allele CA500501057.

ClinVar aggregate classification (germline): Benign/Likely benign. Review status: criteria provided, multiple submitters, no conflicts (2 of 4 stars). 4 submissions from 4 submitters: Benign (1); Likely benign (2). 1 of the submissions does not count toward it. Last evaluated 2025-12-26.

Conditions:
Hereditary cancer-predisposing syndrome. Also called: Neoplastic Syndromes, Hereditary; Tumor predisposition; Hereditary Cancer Syndrome; Hereditary neoplastic syndrome. Identifiers: Orphanet 140162, MedGen C0027672, MeSH D009386, MONDO:0015356.
HOXB13-related disorder. Also called: HOXB13-related condition; HOXB13-related disorders.
Prostate cancer, hereditary, 9 (HPC9). Identifiers: Orphanet 1331, MedGen C1970250, MONDO:0012597, OMIM 610997.

Allele frequency attached by ClinVar (database versions not stated): gnomAD exomes below 0.00001; gnomAD 0.00001.
gnomAD v4.1: 8 of 1,612,860 alleles (0.0005%); highest among the groups gnomAD compares: Admixed American, 0.0017%; no homozygotes.

Submissions (4):

Labcorp Genetics (formerly Invitae), Labcorp
Classification: Likely benign. Last evaluated: 2025-12-26. Review status: criteria provided, single submitter. Criteria: Invitae Variant Classification Sherloc (09022015). Collection method: clinical testing. Allele origin: germline.

Myriad Genetics, Inc.
Classification: Benign for Prostate cancer, hereditary, 9. Last evaluated: 2024-10-30. Review status: criteria provided, single submitter. Criteria: Myriad Autosomal Dominant, Autosomal Recessive and X-Linked Classification Criteria (2023). Collection method: clinical testing. Allele origin: unknown.
Comment: This variant is considered benign. This variant is a silent/synonymous amino acid change and it is not expected to impact splicing.

Ambry Genetics
Classification: Likely benign for Hereditary cancer-predisposing syndrome. Last evaluated: 2017-04-12. Review status: criteria provided, single submitter. Criteria: Ambry Variant Classification Scheme 2023. Collection method: clinical testing. Allele origin: germline.

PreventionGenetics, part of Exact Sciences
Classification: Likely benign for HOXB13-related condition. Last evaluated: 2020-02-19. Review status: no assertion criteria provided. Collection method: clinical testing. Allele origin: germline. Not counted in ClinVar's aggregate classification.
Comment: This variant is classified as likely benign based on ACMG/AMP sequence variant interpretation guidelines (Richards et al. 2015 PMID: 25741868, with internal and published modifications).